The following is an entry in ClinVar:

NM_001039876.3(SYNE4):c.940C>T (p.His314Tyr)

Gene: SYNE4 (spectrin repeat containing nuclear envelope family member 4; minus strand). Cytogenetic location: 19q13.12.
Variant type: single nucleotide variant.
Coding change: c.940C>T on transcript NM_001039876.3 (MANE Select); coding-DNA position 940, C replaced by T.
Protein change: p.His314Tyr; replaces histidine 314 with tyrosine.
Molecular consequence: missense variant.
Genome position (GRCh38, 1-based): chr19:36,005,365, G>A on the plus strand (C>T on the coding strand, the complement: SYNE4 is on the minus strand). VCF-style: chr19-36005365-G-A. GRCh37 (hg19) VCF-style: chr19-36496267-G-A.
Other names: c.601C>T, p.His201Tyr (NM_001297735.3); short protein forms H314Y, H201Y.
Identifiers: ClinVar variation 517527 (VCV000517527.5), dbSNP rs886101498, ClinGen allele CA307814560.

ClinVar aggregate classification (germline): Uncertain significance (1 of 4 stars; one submission).

Allele frequency attached by ClinVar (database versions not stated): gnomAD exomes below 0.00001; gnomAD 0.00001.

Submission:

Laboratory for Molecular Medicine, Mass General Brigham Personalized Medicine
Classification: Uncertain significance. Last evaluated: 2017-09-02. Review status: criteria provided, single submitter. Criteria: LMM Criteria. Collection method: clinical testing. Allele origin: germline. Observed: 1 variant allele.
Comment: Variant classified as Uncertain Significance - Favor Benign. The p.His314Tyr var iant in SYNE4 has not been previously reported in individuals with hearing loss, but has been identified in 1/14980 European chromosomes by the Genome Aggregati on Database (gnomAD). Although this variant ha s been seen in the general population, its frequency is not high enough to rule out a pathogenic role. Histidine (His) at position 314 is not conserved across s pecies and 2 mammals have a Tyrosine (Tyr) at this position. Additional computat ional prediction tools suggest that the p.His314Tyr variant may not impact the p rotein, though this information is not predictive enough to rule out pathogenici ty. In summary, while the clinical significance of the p.His314Tyr variant is un certain, these data suggest that it is more likely to be benign.